The following is an entry in ClinVar:

ClinVar aggregate classification (germline): Uncertain significance. Review status: criteria provided, multiple submitters, no conflicts (2 of 4 stars). 5 submissions from 5 submitters: Uncertain significance (5). Last evaluated 2025-02-11.

Conditions:
Inborn genetic diseases. Identifiers: MedGen C0950123, MeSH D030342.
Microcephaly 5, primary, autosomal recessive (MCPH5). Also called: ASPM Primary Microcephaly. Identifiers: Orphanet 2512, MedGen C1837501, MONDO:0012106, OMIM 608716.

Submissions (5):

Women's Health and Genetics/Laboratory Corporation of America, LabCorp
Classification: Uncertain significance. Last evaluated: 2025-02-11. Review status: criteria provided, single submitter. Criteria: LabCorp Variant Classification Summary - May 2015. Collection method: clinical testing. Allele origin: germline.
Comment: Variant summary: ASPM c.4438_4440dupGAA (p.Glu1480dup) results in an in-frame duplication that is predicted to duplicate 1 amino acid into the encoded protein. The variant allele was found at a frequency of 4e-05 in 224442 control chromosomes, predominantly at a frequency of 0.00058 within the African or African-American subpopulation in the gnomAD database. The available data on variant occurrences in the general population are insufficient to allow any conclusion about variant significance. To our knowledge, no occurrence of c.4438_4440dupGAA in individuals affected with Primary microcephaly and no experimental evidence demonstrating its impact on protein function have been reported. ClinVar contains an entry for this variant (Variation ID: 595214). Based on the evidence outlined above, the variant was classified as uncertain significance.

Genome-Nilou Lab
Classification: Uncertain significance for Microcephaly 5, primary, autosomal recessive. Last evaluated: 2023-04-11. Review status: criteria provided, single submitter. Criteria: ACMG Guidelines, 2015. Collection method: clinical testing. Allele origin: germline. Affected: no.

Labcorp Genetics (formerly Invitae), Labcorp
Classification: Uncertain significance. Last evaluated: 2022-07-30. Review status: criteria provided, single submitter. Criteria: Invitae Variant Classification Sherloc (09022015). Collection method: clinical testing. Allele origin: germline.
Comment: In summary, the available evidence is currently insufficient to determine the role of this variant in disease. Therefore, it has been classified as a Variant of Uncertain Significance. ClinVar contains an entry for this variant (Variation ID: 595214). This variant has not been reported in the literature in individuals affected with ASPM-related conditions. This variant is present in population databases (rs769728447, gnomAD 0.08%). This variant, c.4438_4440dup, results in the insertion of 1 amino acid(s) of the ASPM protein (p.Glu1480dup), but otherwise preserves the integrity of the reading frame.

Ambry Genetics
Classification: Uncertain significance for Inborn genetic diseases. Last evaluated: 2022-05-14. Review status: criteria provided, single submitter. Criteria: Ambry Variant Classification Scheme 2023. Collection method: clinical testing. Allele origin: germline.
Comment: The c.4438_4440dupGAA (p.E1480dup) alteration is located in exon 18 (coding exon 18) of the ASPM gene. The alteration consists of an in-frame duplication of 3 nucleotides from position 4438 to 4440, resulting in the duplication of 1 residue. Based on insufficient or conflicting evidence, the clinical significance of this alteration remains unclear.

Eurofins Ntd Llc (ga)
Classification: Uncertain significance. Last evaluated: 2017-12-14. Review status: criteria provided, single submitter. Criteria: EGL Classification Definitions 2015. Collection method: clinical testing. Allele origin: germline. Observed: 1 variant allele, 1 heterozygote.

NM_018136.5(ASPM):c.4438_4440dup (p.Glu1480dup)

Gene: ASPM (assembly factor for spindle microtubules; minus strand). Cytogenetic location: 1q31.3.
Variant type: Duplication.
Coding change: c.4438_4440dup on transcript NM_018136.5 (MANE Select); coding-DNA positions 4438 to 4440, 3 bases duplicated (GAA; older notation c.4438_4440dupGAA).
Protein change: p.Glu1480dup; duplicates glutamic acid 1480.
Molecular consequence: inframe insertion. On other transcripts: intron variant (1).
Genome position (GRCh38, 1-based): chr1:197,104,811-197,104,813, TTC duplicated on the plus strand (GAA on the coding strand, the reverse complement: ASPM is on the minus strand); duplicating any 3 consecutive bases within chr1:197,104,811-197,104,815 gives the same sequence; the c. name uses the placement nearest the transcript's 3' end. VCF-style (leftmost placement, unchanged base first): chr1-197104810-A-ATTC. GRCh37 (hg19) VCF-style: chr1-197073940-A-ATTC.
Other names: c.4066-8649_4066-8647dup (NM_001206846.2); c.4438_4440dupGAA (NM_018136.5).
Identifiers: ClinVar variation 595214 (VCV000595214.12), dbSNP rs769728447, ClinGen allele CA1309928.